The following continues an entry in ClinVar:

NM_058216.3(RAD51C):c.1102C>T (p.Arg368Trp)

Gene: RAD51C. ClinVar aggregate classification (germline): Conflicting classifications of pathogenicity. Uncertain significance (14); Likely benign (3).

Submissions 13 to 18 of 18:

KCCC/NGS Laboratory, Kuwait Cancer Control Center
Classification: Uncertain significance for Breast-ovarian cancer, familial, susceptibility to, 3. Last evaluated: 2023-09-13. Review status: criteria provided, single submitter. Criteria: ACMG Guidelines, 2015. Collection method: clinical testing. Allele origin: germline. Inheritance: Autosomal dominant inheritance. Affected: yes. Observed: 1 heterozygote.
Comment: This sequence change replaces arginine, which is basic and polar, with tryptophan, which is neutral and slightly polar, at codon 368 of the RAD51C protein (p.Arg368Trp). This variant is present in population databases (rs587780253, gnomAD 0.04%). This variant has not been reported in the literature in individuals affected with RAD51C-related conditions. ClinVar contains an entry for this variant (Variation ID: 128202). This amino acid position is not highly conserved (PhyloP=0.5). In addition, this alteration is predicted to be tolerated by in silico analysis. In summary, the available evidence is currently insufficient to determine the role of this variant in disease. Therefore, it has been classified as a Variant of Uncertain Significance.

Women's Health and Genetics/Laboratory Corporation of America, LabCorp
Classification: Uncertain significance. Last evaluated: 2021-05-19. Review status: criteria provided, single submitter. Criteria: LabCorp Variant Classification Summary - May 2015. Collection method: clinical testing. Allele origin: germline.
Comment: Variant summary: RAD51C c.1102C>T (p.Arg368Trp) results in a non-conservative amino acid change in the encoded protein sequence. Three of five in-silico tools predict a damaging effect of the variant on protein function. The variant allele was found at a frequency of 4.8e-05 in 249298 control chromosomes, predominantly at a frequency of 0.00038 within the African or African-American subpopulation in the gnomAD database. The available data on variant occurrences in the general population are insufficient to allow any conclusion about variant significance. c.1102C>T has been reported in the literature in an individual affected with pediatric neuroblastoma (e.g. Zhang_2015). This report does not provide unequivocal conclusions about association of the variant with Hereditary Breast And Ovarian Cancer Syndrome. To our knowledge, no experimental evidence demonstrating an impact on protein function has been reported. Seven clinical diagnostic laboratories have submitted clinical-significance assessments for this variant to ClinVar after 2014 without evidence for independent evaluation. All laboratories cited the variant as uncertain significance. Based on the evidence outlined above, the variant was classified as uncertain significance.

Mendelics
Classification: Uncertain significance for Hereditary breast and ovarian cancer syndrome. Last evaluated: 2018-07-02. Review status: criteria provided, single submitter. Criteria: Mendelics Assertion Criteria 2017. Collection method: clinical testing. Allele origin: unknown.

Illumina Laboratory Services, Illumina
Classification: Uncertain significance for Fanconi anemia complementation group O. Last evaluated: 2018-01-13. Review status: criteria provided, single submitter. Criteria: ICSL Variant Classification Criteria 13 December 2019. Collection method: clinical testing. Allele origin: germline.

Illumina Laboratory Services, Illumina
Classification: Uncertain significance for Breast-ovarian cancer, familial, susceptibility to, 3. Last evaluated: 2018-01-13. Review status: criteria provided, single submitter. Criteria: ICSL Variant Classification Criteria 13 December 2019. Collection method: clinical testing. Allele origin: germline.

Counsyl
Classification: Uncertain significance for Fanconi anemia complementation group O; Breast-ovarian cancer, familial, susceptibility to, 3. Last evaluated: 2017-11-30. Review status: no assertion criteria provided. Collection method: clinical testing. Allele origin: unknown. Not counted in ClinVar's aggregate classification.

Literature cited by the submitters: PubMed 37253112 (cited by 4 submitters); PubMed 26580448 (cited by 6 submitters); PubMed 33471991 (cited by 3 submitters); PubMed 35264596 (cited by Quest Diagnostics Nichols Institute San Juan Capistrano); PubMed 25085752 (cited by Myriad Genetics, Inc.).